The following is an entry in ClinVar:

ClinVar aggregate classification (germline): Likely benign (0 of 4 stars; one submission).

Conditions:
PRG4-related disorder. Also called: PRG4-related condition.

gnomAD v4.1: 98 of 1,613,718 alleles (0.0061%); highest among the groups gnomAD compares: Middle Eastern, 0.099%; no homozygotes.

Submission:

PreventionGenetics, part of Exact Sciences
Classification: Likely benign for PRG4-related condition. Last evaluated: 2024-08-06. Review status: no assertion criteria provided. Collection method: clinical testing. Allele origin: germline.
Comment: This variant is classified as likely benign based on ACMG/AMP sequence variant interpretation guidelines (Richards et al. 2015 PMID: 25741868, with internal and published modifications).

NM_005807.6(PRG4):c.3327C>T (p.Leu1109=)

Gene: PRG4 (proteoglycan 4; plus strand). Cytogenetic location: 1q31.1.
Variant type: single nucleotide variant.
Coding change: c.3327C>T on transcript NM_005807.6 (MANE Select); coding-DNA position 3327, C replaced by T.
Protein change: p.Leu1109=; no amino-acid change (leucine 1109 retained).
Molecular consequence: synonymous variant.
Genome position (GRCh38, 1-based): chr1:186,309,046, C>T. VCF-style: chr1-186309046-C-T. GRCh37 (hg19) VCF-style: chr1-186278178-C-T.
Other names: c.3204C>T, p.Leu1068= (NM_001127708.3); c.3048C>T, p.Leu1016= (NM_001127709.3); c.2925C>T, p.Leu975= (NM_001127710.3); c.3198C>T, p.Leu1066= (NM_001303232.2).
Identifiers: ClinVar variation 3353168 (VCV003353168.1).